The following is an entry in ClinVar:

NM_006922.4(SCN3A):c.43C>T (p.Arg15Cys)

Gene: SCN3A (sodium voltage-gated channel alpha subunit 3; minus strand). Cytogenetic location: 2q24.3.
Variant type: single nucleotide variant.
Coding change: c.43C>T on transcript NM_006922.4 (MANE Select); coding-DNA position 43, C replaced by T.
Protein change: p.Arg15Cys; replaces arginine 15 with cysteine.
Molecular consequence: missense variant.
Genome position (GRCh38, 1-based): chr2:165,176,352, G>A on the plus strand (C>T on the coding strand, the complement: SCN3A is on the minus strand). VCF-style: chr2-165176352-G-A. GRCh37 (hg19) VCF-style: chr2-166032862-G-A.
Other names: c.43C>T (NM_006922.3); c.43C>T, p.Arg15Cys (NM_001081676.2, NM_001081677.2); short protein forms R15C.
Identifiers: ClinVar variation 2435696 (VCV002435696.7), dbSNP rs558749829, ClinGen allele CA60231509.

ClinVar aggregate classification (germline): Uncertain significance. Review status: criteria provided, multiple submitters, no conflicts (2 of 4 stars). 3 submissions from 3 submitters: Uncertain significance (3). Last evaluated 2024-11-11.

Conditions:
SCN3A-related disorder. Also called: SCN3A-related condition.

Allele frequency attached by ClinVar (database versions not stated): gnomAD 0.00002; TOPMed 0.00002; gnomAD exomes 0.00003; 1000 Genomes Project 30x 0.00031; 1000 Genomes Project 0.00040.
gnomAD v4.1: 47 of 1,613,980 alleles (0.0029%); highest among the groups gnomAD compares: East Asian, 0.0045%; no homozygotes.

Submissions (3):

Revvity Omics, Revvity
Classification: Uncertain significance. Last evaluated: 2024-11-11. Review status: criteria provided, single submitter. Criteria: ACMG Guidelines, 2015. Collection method: clinical testing. Allele origin: germline.

Labcorp Genetics (formerly Invitae), Labcorp
Classification: Uncertain significance. Last evaluated: 2024-10-09. Review status: criteria provided, single submitter. Criteria: Invitae Variant Classification Sherloc (09022015). Collection method: clinical testing. Allele origin: germline.
Comment: This sequence change replaces arginine, which is basic and polar, with cysteine, which is neutral and slightly polar, at codon 15 of the SCN3A protein (p.Arg15Cys). This variant is present in population databases (rs558749829, gnomAD 0.0009%). This variant has not been reported in the literature in individuals affected with SCN3A-related conditions. ClinVar contains an entry for this variant (Variation ID: 2435696). Invitae Evidence Modeling of protein sequence and biophysical properties (such as structural, functional, and spatial information, amino acid conservation, physicochemical variation, residue mobility, and thermodynamic stability) indicates that this missense variant is not expected to disrupt SCN3A protein function with a negative predictive value of 80%. In summary, the available evidence is currently insufficient to determine the role of this variant in disease. Therefore, it has been classified as a Variant of Uncertain Significance.

PreventionGenetics, part of Exact Sciences
Classification: Uncertain significance for SCN3A-related condition. Last evaluated: 2023-05-17. Review status: criteria provided, single submitter. Criteria: ACMG Guidelines, 2015. Collection method: clinical testing. Allele origin: germline.
Comment: The SCN3A c.43C>T variant is predicted to result in the amino acid substitution p.Arg15Cys. To our knowledge, this variant has not been reported in the literature. This variant is reported in 0.011% of alleles in individuals of East Asian descent in gnomAD. At this time, the clinical significance of this variant is uncertain due to the absence of conclusive functional and genetic evidence.